The following is an entry in ClinVar:

NM_020937.4(FANCM):c.3865T>C (p.Phe1289Leu)

Gene: FANCM (FA complementation group M; plus strand). Cytogenetic location: 14q21.2.
Variant type: single nucleotide variant.
Coding change: c.3865T>C on transcript NM_020937.4 (MANE Select); coding-DNA position 3865, T replaced by C.
Protein change: p.Phe1289Leu; replaces phenylalanine 1289 with leucine.
Molecular consequence: missense variant.
Genome position (GRCh38, 1-based): chr14:45,176,619, T>C. VCF-style: chr14-45176619-T-C. GRCh37 (hg19) VCF-style: chr14-45645822-T-C.
Other names: c.3787T>C, p.Phe1263Leu (NM_001308133.2); short protein forms F1263L, F1289L.
Identifiers: ClinVar variation 3512889 (VCV003512889.1).
Genomic context (GRCh38, chr14:45,176,619, plus strand): 5'-ATAAGTGATGCAAATTATGTTTCGAATCAAGCACTAATACCAAGAGATCATAGTAAAAAT[T>C]TTACTAGTGGAACTGTTATTATCCCATCAAATGAAGATATGCAGAATCCAAATTATGTAC-3'
Protein context (NP_065988.1, residues 1279-1299): ALIPRDHSKN[Phe1289Leu]TSGTVIIPSN

ClinVar aggregate classification (germline): Uncertain significance (1 of 4 stars; one submission).

Conditions:
Inborn genetic diseases. Identifiers: MedGen C0950123, MeSH D030342.

gnomAD v4.1: 8 of 1,610,136 alleles (0.0005%); highest among the groups gnomAD compares: Non-Finnish European, 0.00068%; no homozygotes.

Submission:

Ambry Genetics
Classification: Uncertain significance for Inborn genetic diseases. Last evaluated: 2024-10-15. Review status: criteria provided, single submitter. Criteria: Ambry Variant Classification Scheme 2023. Collection method: clinical testing. Allele origin: germline.
Comment: The p.F1289L variant (also known as c.3865T>C), located in coding exon 14 of the FANCM gene, results from a T to C substitution at nucleotide position 3865. The phenylalanine at codon 1289 is replaced by leucine, an amino acid with highly similar properties. This amino acid position is conserved. In addition, this alteration is predicted to be tolerated by in silico analysis. Based on the available evidence, the clinical significance of this variant remains unclear.